The following is an entry in ClinVar:

ClinVar aggregate classification (germline): Uncertain significance. Review status: criteria provided, multiple submitters, no conflicts (2 of 4 stars). 2 submissions from 2 submitters: Uncertain significance (2). Last evaluated 2025-01-14.

Conditions:
Inborn genetic diseases. Identifiers: MedGen C0950123, MeSH D030342.

Allele frequency attached by ClinVar (database versions not stated): ExAC 0.00001; gnomAD exomes 0.00001.
gnomAD v4.1: 16 of 1,598,322 alleles (0.001%); highest among the groups gnomAD compares: Non-Finnish European, 0.0014%; no homozygotes.

Submissions (2):

GeneDx
Classification: Uncertain significance. Last evaluated: 2025-01-14. Review status: criteria provided, single submitter. Criteria: GeneDx Variant Classification Process June 2021. Collection method: clinical testing. Allele origin: germline. Affected: yes.
Comment: Not observed at significant frequency in large population cohorts (gnomAD); In silico analysis supports that this missense variant has a deleterious effect on protein structure/function; Has not been previously published as pathogenic or benign to our knowledge

Ambry Genetics
Classification: Uncertain significance for Inborn genetic diseases. Last evaluated: 2022-04-07. Review status: criteria provided, single submitter. Criteria: Ambry Variant Classification Scheme 2023. Collection method: clinical testing. Allele origin: germline.

NM_003922.4(HERC1):c.2594A>T (p.His865Leu)

Gene: HERC1 (HECT and RLD domain containing E3 ubiquitin protein ligase family member 1; minus strand). Cytogenetic location: 15q22.31.
Variant type: single nucleotide variant.
Coding change: c.2594A>T on transcript NM_003922.4 (MANE Select); coding-DNA position 2594, A replaced by T.
Protein change: p.His865Leu; replaces histidine 865 with leucine.
Molecular consequence: missense variant.
Genome position (GRCh38, 1-based): chr15:63,734,776, T>A on the plus strand (A>T on the coding strand, the complement: HERC1 is on the minus strand). VCF-style: chr15-63734776-T-A. GRCh37 (hg19) VCF-style: chr15-64026975-T-A.
Other names: short protein forms H865L.
Identifiers: ClinVar variation 2281607 (VCV002281607.3), dbSNP rs776434697, ClinGen allele CA7606247.